The following is an entry in ClinVar:

ClinVar aggregate classification (germline): Uncertain significance. Review status: criteria provided, multiple submitters, no conflicts (2 of 4 stars). 4 submissions from 4 submitters: Uncertain significance (4). Last evaluated 2025-08-07.

Conditions:
Emery-Dreifuss muscular dystrophy 4, autosomal dominant (EDMD4). Also called: EMERY-DREIFUSS MUSCULAR DYSTROPHY 4 WITH VARIABLE FEATURES. Identifiers: Orphanet 261, MedGen C2751807, MONDO:0013071, OMIM 612998.
Autosomal recessive ataxia, Beauce type. Also called: Spinocerebellar ataxia, autosomal recessive 8; ATAXIA, RECESSIVE, OF BEAUCE; SYNE1 Deficiency; SYNE1-Related Autosomal Recessive Cerebellar Ataxia. Identifiers: Orphanet 88644, MedGen C1853116, MONDO:0012549, OMIM 610743.
Arthrogryposis multiplex congenita 3, myogenic type. Also called: ARTHROGRYPOSIS MULTIPLEX CONGENITA, MYOGENIC TYPE. Identifiers: MedGen C5193121, MONDO:0032778, OMIM 618484.

Allele frequency attached by ClinVar (database versions not stated): gnomAD 0.00001.
gnomAD v4.1: 23 of 1,613,628 alleles (0.0014%); highest among the groups gnomAD compares: Middle Eastern, 0.017%; 1 homozygote.

Submissions (4):

Mayo Clinic Laboratories, Mayo Clinic
Classification: Uncertain significance. Last evaluated: 2025-08-07. Review status: criteria provided, single submitter. Criteria: ACMG Guidelines, 2015. Collection method: clinical testing. Allele origin: germline. Observed: 1 variant allele.
Comment: BP4

Athena Diagnostics
Classification: Uncertain significance. Last evaluated: 2024-03-21. Review status: criteria provided, single submitter. Criteria: Athena Diagnostics Criteria. Collection method: clinical testing. Allele origin: unknown.
Comment: Available data are insufficient to determine the clinical significance of the variant at this time. The frequency of this variant in the general population is uninformative in assessment of its pathogenicity. Computational tools yielded predictions that this variant may interfere with normal RNA splicing.

Labcorp Genetics (formerly Invitae), Labcorp
Classification: Uncertain significance for Emery-Dreifuss muscular dystrophy 4, autosomal dominant; Autosomal recessive ataxia, Beauce type. Last evaluated: 2022-03-03. Review status: criteria provided, single submitter. Criteria: Invitae Variant Classification Sherloc (09022015). Collection method: clinical testing. Allele origin: germline.
Comment: This variant is present in population databases (rs746655221, gnomAD 0.006%). This sequence change replaces glycine, which is neutral and non-polar, with arginine, which is basic and polar, at codon 8278 of the SYNE1 protein (p.Gly8278Arg). This variant also falls at the last nucleotide of exon 137, which is part of the consensus splice site for this exon. In summary, the available evidence is currently insufficient to determine the role of this variant in disease. Therefore, it has been classified as a Variant of Uncertain Significance. Variants that disrupt the consensus splice site are a relatively common cause of aberrant splicing (PMID: 17576681, 9536098). Algorithms developed to predict the effect of sequence changes on RNA splicing suggest that this variant may disrupt the consensus splice site. Algorithms developed to predict the effect of missense changes on protein structure and function are either unavailable or do not agree on the potential impact of this missense change (SIFT: "Deleterious"; PolyPhen-2: "Possibly Damaging"; Align-GVGD: "Class C15"). This variant has not been reported in the literature in individuals affected with SYNE1-related conditions.

Fulgent Genetics
Classification: Uncertain significance for Autosomal recessive ataxia, Beauce type; Emery-Dreifuss muscular dystrophy 4, autosomal dominant; Arthrogryposis multiplex congenita 3, myogenic type. Last evaluated: 2021-09-16. Review status: criteria provided, single submitter. Criteria: ACMG Guidelines, 2015. Collection method: clinical testing. Allele origin: unknown.

Literature cited by the submitters: PubMed 17576681 (cited by Labcorp Genetics (formerly Invitae), Labcorp); PubMed 9536098 (cited by Labcorp Genetics (formerly Invitae), Labcorp).

NM_001347702.2(SYNE1):c.1510G>A (p.Gly504Arg)

Gene: SYNE1 (spectrin repeat containing nuclear envelope protein 1; minus strand). Cytogenetic location: 6q25.2.
Variant type: single nucleotide variant.
Coding change: c.1510G>A on transcript NM_001347702.2 (MANE Plus Clinical); coding-DNA position 1510, G replaced by A.
Protein change: p.Gly504Arg; replaces glycine 504 with arginine.
Molecular consequence: missense variant. On other transcripts: intron variant (2).
Genome position (GRCh38, 1-based): chr6:152,145,487, C>T on the plus strand (G>A on the coding strand, the complement: SYNE1 is on the minus strand). VCF-style: chr6-152145487-C-T. GRCh37 (hg19) VCF-style: chr6-152466622-C-T.
Other names: p.Gly8278Arg; c.24832G>A (NM_033071.2); c.24832G>A, p.Gly8278Arg (NM_033071.5); c.24977-1722G>A (NM_182961.4); c.1583-1722G>A (NM_001347701.2); short protein forms G8278R, G504R.
Identifiers: ClinVar variation 1521605 (VCV001521605.11), dbSNP rs746655221, ClinGen allele CA4053014.